The following is an entry in ClinVar:

NM_006227.4(PLTP):c.145A>G (p.Ile49Val)

Gene: PLTP (phospholipid transfer protein; minus strand). Cytogenetic location: 20q13.12.
Variant type: single nucleotide variant.
Coding change: c.145A>G on transcript NM_006227.4 (MANE Select); coding-DNA position 145, A replaced by G.
Protein change: p.Ile49Val; replaces isoleucine 49 with valine.
Molecular consequence: missense variant.
Genome position (GRCh38, 1-based): chr20:45,911,207, T>C on the plus strand (A>G on the coding strand, the complement: PLTP is on the minus strand). VCF-style: chr20-45911207-T-C. GRCh37 (hg19) VCF-style: chr20-44539846-T-C.
Other names: c.145A>G, p.Ile49Val (NM_001242920.2, NM_182676.3); short protein forms I49V.
Identifiers: ClinVar variation 2302090 (VCV002302090.5), dbSNP rs183224779, ClinGen allele CA9884001.

ClinVar aggregate classification (germline): Uncertain significance. Review status: criteria provided, multiple submitters, no conflicts (2 of 4 stars). 2 submissions from 2 submitters: Uncertain significance (2). Last evaluated 2024-12-14.

Allele frequency attached by ClinVar (database versions not stated): ExAC 0.00001; gnomAD exomes 0.00001; gnomAD 0.00003; 1000 Genomes Project 0.00020; 1000 Genomes Project 30x 0.00031.
gnomAD v4.1: 11 of 1,614,176 alleles (0.00068%); highest among the groups gnomAD compares: Admixed American, 0.01%; no homozygotes.

Submissions (2):

Ambry Genetics
Classification: Uncertain significance. Last evaluated: 2024-12-14. Review status: criteria provided, single submitter. Criteria: Ambry Variant Classification Scheme 2023. Collection method: clinical testing. Allele origin: germline.

Labcorp Genetics (formerly Invitae), Labcorp
Classification: Uncertain significance. Last evaluated: 2024-11-04. Review status: criteria provided, single submitter. Criteria: Invitae Variant Classification Sherloc (09022015). Collection method: clinical testing. Allele origin: germline.
Comment: This sequence change replaces isoleucine, which is neutral and non-polar, with valine, which is neutral and non-polar, at codon 49 of the PLTP protein (p.Ile49Val). This variant is present in population databases (rs183224779, gnomAD 0.003%). This variant has not been reported in the literature in individuals affected with PLTP-related conditions. ClinVar contains an entry for this variant (Variation ID: 2302090). An algorithm developed to predict the effect of missense changes on protein structure and function outputs the following: PolyPhen-2: "Benign". The valine amino acid residue is found in multiple mammalian species, which suggests that this missense change does not adversely affect protein function. In summary, the available evidence is currently insufficient to determine the role of this variant in disease. Therefore, it has been classified as a Variant of Uncertain Significance.